The following is an entry in ClinVar:

NM_201253.3(CRB1):c.2405C>T (p.Pro802Leu)

Gene: CRB1 (crumbs cell polarity complex component 1; plus strand). Cytogenetic location: 1q31.3.
Variant type: single nucleotide variant.
Coding change: c.2405C>T on transcript NM_201253.3 (MANE Select); coding-DNA position 2405, C replaced by T.
Protein change: p.Pro802Leu; replaces proline 802 with leucine.
Molecular consequence: missense variant. On other transcripts: non-coding transcript variant (2), intron variant (1).
Genome position (GRCh38, 1-based): chr1:197,427,730, C>T. VCF-style: chr1-197427730-C-T. GRCh37 (hg19) VCF-style: chr1-197396860-C-T.
Other names: c.2069C>T, p.Pro690Leu (NM_001193640.2); c.2198C>T, p.Pro733Leu (NM_001257965.2); c.2128+5774C>T (NM_001257966.2); short protein forms P802L, P733L, P690L.
Identifiers: ClinVar variation 578182 (VCV000578182.9), dbSNP rs1558132026, ClinGen allele CA344037179.

ClinVar aggregate classification (germline): Conflicting classifications of pathogenicity. Review status: criteria provided, conflicting classifications (1 of 4 stars). 2 submissions from 2 submitters: Likely pathogenic (1); Uncertain significance (1). Last evaluated 2024-08-09.

Conditions:
CRB1-related disorder. Also called: CRB1-related condition; CRB1-related disorders.
Leber congenital amaurosis 8 (LCA8). Identifiers: Orphanet 65, MedGen C3151202, MONDO:0013453, OMIM 613835.
Retinitis pigmentosa 12 (RP12). Also called: RP WITH OR WITHOUT PPRPE; RP WITH OR WITHOUT PRESERVED PARAARTERIOLE RETINAL PIGMENT EPITHELIUM; RETINITIS PIGMENTOSA WITH OR WITHOUT PARAARTERIOLAR PRESERVATION OF RETINAL PIGMENT EPITHELIUM. Identifiers: Orphanet 791, MedGen C1838647, MONDO:0010818, OMIM 600105.

Allele frequency attached by ClinVar (database versions not stated): gnomAD exomes below 0.00001.
gnomAD v4.1: 1 of 1,613,852 alleles (0.000062%); highest among the groups gnomAD compares: Non-Finnish European, 0.000085%; no homozygotes.

Submissions (2):

Blueprint Genetics
Classification: Likely pathogenic for CRB1-related disorders. Last evaluated: 2024-08-09. Review status: criteria provided, single submitter. Criteria: ACMG Guidelines, 2015. Collection method: clinical testing. Allele origin: germline. Affected: yes. Observed: 1 variant allele.

Labcorp Genetics (formerly Invitae), Labcorp
Classification: Uncertain significance for Leber congenital amaurosis 8; Retinitis pigmentosa 12. Last evaluated: 2018-05-02. Review status: criteria provided, single submitter. Criteria: Invitae Variant Classification Sherloc (09022015). Collection method: clinical testing. Allele origin: germline.
Comment: In summary, the available evidence is currently insufficient to determine the role of this variant in disease. Therefore, it has been classified as a Variant of Uncertain Significance. This sequence change replaces proline with leucine at codon 802 of the CRB1 protein (p.Pro802Leu). The proline residue is highly conserved and there is a moderate physicochemical difference between proline and leucine. This variant is not present in population databases (ExAC no frequency). This variant has not been reported in the literature in individuals with CRB1-related disease. Algorithms developed to predict the effect of missense changes on protein structure and function do not agree on the potential impact of this missense change (SIFT: "Deleterious"; PolyPhen-2: "Possibly Damaging"; Align-GVGD: "Class C15").